The following is an entry in ClinVar:

ClinVar aggregate classification (germline): Uncertain significance (1 of 4 stars; one submission).

Conditions:
Joubert syndrome. Also called: CEREBELLOPARENCHYMAL DISORDER IV; JOUBERT-BOLTSHAUSER SYNDROME; Familial aplasia of the vermis. Identifiers: Orphanet 475, MedGen C5979921, MONDO:0018772.
Orofaciodigital syndrome I (OFD1). Also called: OFDS I; Papillon-Leage and Psaume Syndrome; Oral-Facial-Digital Syndrome Type I. Identifiers: Orphanet 2750, MedGen C1510460, MONDO:0010702, OMIM 311200.

Submission:

Labcorp Genetics (formerly Invitae), Labcorp
Classification: Uncertain significance for Orofaciodigital syndrome I; Joubert syndrome. Last evaluated: 2024-04-30. Review status: criteria provided, single submitter. Criteria: Invitae Variant Classification Sherloc (09022015). Collection method: clinical testing. Allele origin: germline.
Comment: This sequence change replaces threonine, which is neutral and polar, with alanine, which is neutral and non-polar, at codon 718 of the OFD1 protein (p.Thr718Ala). This variant is not present in population databases (gnomAD no frequency). This variant has not been reported in the literature in individuals affected with OFD1-related conditions. ClinVar contains an entry for this variant (Variation ID: 1990110). Advanced modeling of protein sequence and biophysical properties (such as structural, functional, and spatial information, amino acid conservation, physicochemical variation, residue mobility, and thermodynamic stability) performed at Invitae indicates that this missense variant is not expected to disrupt OFD1 protein function with a negative predictive value of 80%. In summary, the available evidence is currently insufficient to determine the role of this variant in disease. Therefore, it has been classified as a Variant of Uncertain Significance.

NM_003611.3(OFD1):c.2152A>G (p.Thr718Ala)

Gene: OFD1 (OFD1 centriole and centriolar satellite protein; plus strand). Cytogenetic location: Xp22.2.
Variant type: single nucleotide variant.
Coding change: c.2152A>G on transcript NM_003611.3 (MANE Select); coding-DNA position 2152, A replaced by G.
Protein change: p.Thr718Ala; replaces threonine 718 with alanine.
Molecular consequence: missense variant.
Genome position (GRCh38, 1-based): chrX:13,760,612, A>G. VCF-style: chrX-13760612-A-G. GRCh37 (hg19) VCF-style: chrX-13778731-A-G.
Other names: c.2032A>G, p.Thr678Ala (NM_001330209.2); c.1732A>G, p.Thr578Ala (NM_001330210.2); short protein forms T718A, T578A, T678A.
Identifiers: ClinVar variation 1990110 (VCV001990110.4), dbSNP rs2518940548, ClinGen allele CA412344633.